The following is an entry in ClinVar:

ClinVar aggregate classification (germline): Uncertain significance (1 of 4 stars; one submission).

Conditions:
Capillary malformation-arteriovenous malformation syndrome. Also called: Capillary malformation-arteriovenous malformation. Identifiers: Orphanet 137667, MedGen C1842180, MONDO:0012016.

Submission:

Labcorp Genetics (formerly Invitae), Labcorp
Classification: Uncertain significance for Capillary malformation-arteriovenous malformation syndrome. Last evaluated: 2023-12-21. Review status: criteria provided, single submitter. Criteria: Invitae Variant Classification Sherloc (09022015). Collection method: clinical testing. Allele origin: germline.
Comment: This sequence change falls in intron 7 of the RASA1 gene. It does not directly change the encoded amino acid sequence of the RASA1 protein. It affects a nucleotide within the consensus splice site. This variant is not present in population databases (gnomAD no frequency). This variant has not been reported in the literature in individuals affected with RASA1-related conditions. Variants that disrupt the consensus splice site are a relatively common cause of aberrant splicing (PMID: 17576681, 9536098). Algorithms developed to predict the effect of sequence changes on RNA splicing suggest that this variant is not likely to affect RNA splicing. In summary, the available evidence is currently insufficient to determine the role of this variant in disease. Therefore, it has been classified as a Variant of Uncertain Significance.

Literature cited by the submitters: PubMed 17576681; PubMed 9536098.

NM_002890.3(RASA1):c.1102+6T>A

Genes: CCNH (cyclin H; minus strand), RASA1 (RAS p21 protein activator 1; plus strand). Cytogenetic location: 5q14.3.
Variant type: single nucleotide variant.
Coding change: c.1102+6T>A on transcript NM_002890.3 (MANE Select); 6 bases into the intron after coding-DNA position 1102, T replaced by A.
Molecular consequence: intron variant.
Genome position (GRCh38, 1-based): chr5:87,346,730, T>A. VCF-style: chr5-87346730-T-A. GRCh37 (hg19) VCF-style: chr5-86642547-T-A.
Other names: c.571+6T>A (NM_022650.3); c.934-33935A>T (NM_001364075.2).
Identifiers: ClinVar variation 2704606 (VCV002704606.3), dbSNP rs762755197, ClinGen allele CA2674515674.
Genomic context (GRCh38, chr5:87,346,730, plus strand): 5'-AGATGGTTCCATGGGAAGATTTCCAAACAGGAAGCTTATAATTTACTAATGACAGGTACT[T>A]ACATATTTACTTGCTTTTCTAATGTCTATTTAAAGAGAATAAAAAAGTGAACAAACCATT-3'